The following is an entry in ClinVar:

NM_001282116.2(RFX3):c.2099G>T (p.Ser700Ile)

Gene: RFX3 (regulatory factor X3; minus strand). Cytogenetic location: 9p24.2.
Variant type: single nucleotide variant.
Coding change: c.2099G>T on transcript NM_001282116.2 (MANE Select); coding-DNA position 2099, G replaced by T.
Protein change: p.Ser700Ile; replaces serine 700 with isoleucine.
Molecular consequence: missense variant.
Genome position (GRCh38, 1-based): chr9:3,225,193, C>A on the plus strand (G>T on the coding strand, the complement: RFX3 is on the minus strand). VCF-style: chr9-3225193-C-A. GRCh37 (hg19) VCF-style: chr9-3225193-C-A.
Other names: c.2162G>T, p.Ser721Ile (NM_001377999.1); c.2099G>T, p.Ser700Ile (NM_134428.3); short protein forms S700I, S721I.
Identifiers: ClinVar variation 3370959 (VCV003370959.1).

ClinVar aggregate classification (germline): Uncertain significance (1 of 4 stars; one submission).

Submission:

GeneDx
Classification: Uncertain significance. Last evaluated: 2024-03-13. Review status: criteria provided, single submitter. Criteria: GeneDx Variant Classification Process June 2021. Collection method: clinical testing. Allele origin: germline. Affected: yes.
Comment: Not observed at significant frequency in large population cohorts (gnomAD); In silico analysis supports that this missense variant does not alter protein structure/function; Has not been previously published as pathogenic or benign to our knowledge